The following is an entry in ClinVar:

NM_007294.4(BRCA1):c.772C>T (p.Pro258Ser)

Gene: BRCA1 (BRCA1 DNA repair associated; minus strand). Cytogenetic location: 17q21.31.
Variant type: single nucleotide variant.
Coding change: c.772C>T on transcript NM_007294.4 (MANE Select); coding-DNA position 772, C replaced by T.
Protein change: p.Pro258Ser; replaces proline 258 with serine.
Molecular consequence: missense variant. On other transcripts: non-coding transcript variant (1).
Genome position (GRCh38, 1-based): chr17:43,094,759, G>A on the plus strand (C>T on the coding strand, the complement: BRCA1 is on the minus strand). VCF-style: chr17-43094759-G-A. GRCh37 (hg19) VCF-style: chr17-41246776-G-A.
Other names: c.628C>T, p.Pro210Ser (NM_001408470.1, NM_001407740.1, NM_001407741.1 and 26 more transcripts); c.772C>T, p.Pro258Ser (NM_001408472.1, NM_007298.4, NM_007299.4 and 54 more transcripts); c.769C>T, p.Pro257Ser (NM_001408473.1, NM_001407587.1, NM_001407590.1 and 38 more transcripts); c.571C>T, p.Pro191Ser (NM_001408474.1, NM_001408476.1, NM_001407862.1); c.568C>T, p.Pro190Ser (NM_001408475.1, NM_001407874.1, NM_001407875.1); c.562C>T, p.Pro188Ser (NM_001408478.1, NM_001408479.1, NM_001408480.1 and 25 more transcripts); c.559C>T, p.Pro187Ser (NM_001408490.1, NM_001408491.1, NM_001408493.1 and 12 more transcripts); c.508C>T, p.Pro170Ser (NM_001408496.1, NM_001408497.1, NM_001408498.1 and 15 more transcripts); and 14 more; short protein forms P190S, P216S, P231S, P131S, P146S, P170S, P188S, P191S.
Identifiers: ClinVar variation 2110682 (VCV002110682.6), dbSNP rs2154493277, ClinGen allele CA10600536.

ClinVar aggregate classification (germline): Conflicting classifications of pathogenicity. Review status: criteria provided, conflicting classifications (1 of 4 stars). 2 submissions from 2 submitters: Uncertain significance (1); Likely benign (1). Last evaluated 2023-03-23.

Conditions:
Hereditary cancer-predisposing syndrome. Also called: Neoplastic Syndromes, Hereditary; Hereditary Cancer Syndrome; Hereditary neoplastic syndrome; Tumor predisposition. Identifiers: Orphanet 140162, MedGen C0027672, MeSH D009386, MONDO:0015356.
Hereditary breast ovarian cancer syndrome. Also called: Hereditary breast and ovarian cancer syndrome; BRCA1- and BRCA2-Associated Hereditary Breast and Ovarian Cancer; Hereditary breast and ovarian cancer; Hereditary breast and/or ovarian cancer syndrome; Hereditary breast and ovarian cancer syndrome (HBOC); Breast and ovarian cancer. Identifiers: Orphanet 145, MedGen C0677776, MeSH D061325, MONDO:0003582. Disease mechanism: loss of function.

Submissions (2):

University of Washington Department of Laboratory Medicine, University of Washington
Classification: Likely benign for Hereditary cancer-predisposing syndrome. Last evaluated: 2023-03-23. Review status: criteria provided, single submitter. Criteria: Dines et al. (Genet Med. 2020). Collection method: curation. Allele origin: germline.
Comment: Missense variant in a coldspot region where missense variants are very unlikely to be pathogenic (PMID:31911673).

BRCA1 coldspot (exon 11 using historical exon numbering). Reclassification based on statistical prior probability

Labcorp Genetics (formerly Invitae), Labcorp
Classification: Uncertain significance for Hereditary breast ovarian cancer syndrome. Last evaluated: 2022-03-13. Review status: criteria provided, single submitter. Criteria: Invitae Variant Classification Sherloc (09022015). Collection method: clinical testing. Allele origin: germline.
Comment: In summary, the available evidence is currently insufficient to determine the role of this variant in disease. Therefore, it has been classified as a Variant of Uncertain Significance. Advanced modeling of protein sequence and biophysical properties (such as structural, functional, and spatial information, amino acid conservation, physicochemical variation, residue mobility, and thermodynamic stability) performed at Invitae indicates that this missense variant is not expected to disrupt BRCA1 protein function. This variant has not been reported in the literature in individuals affected with BRCA1-related conditions. This variant is not present in population databases (gnomAD no frequency). This sequence change replaces proline, which is neutral and non-polar, with serine, which is neutral and polar, at codon 258 of the BRCA1 protein (p.Pro258Ser).